The following is an entry in ClinVar:

NM_003743.5(NCOA1):c.934C>T (p.Gln312Ter)

Gene: NCOA1 (nuclear receptor coactivator 1; plus strand). Cytogenetic location: 2p23.3.
Variant type: single nucleotide variant.
Coding change: c.934C>T on transcript NM_003743.5 (MANE Select); coding-DNA position 934, C replaced by T.
Protein change: p.Gln312Ter; replaces glutamine 312 with a stop codon.
Molecular consequence: nonsense.
Genome position (GRCh38, 1-based): chr2:24,697,783, C>T. VCF-style: chr2-24697783-C-T. GRCh37 (hg19) VCF-style: chr2-24920652-C-T.
Other names: c.934C>T, p.Gln312Ter (NM_001362950.1, NM_001362952.1, NM_001362954.1 and 3 more transcripts); short protein forms Q312*.
Identifiers: ClinVar variation 4995245 (VCV004995245.1).

ClinVar aggregate classification (germline): Uncertain significance (1 of 4 stars; one submission).

Conditions:
NCOA1-related disorder. Also called: NCOA1-related condition.

Submission:

PreventionGenetics, part of Exact Sciences
Classification: Uncertain significance for NCOA1-related condition. Last evaluated: 2025-09-26. Review status: criteria provided, single submitter. Criteria: ACMG Guidelines, 2015. Collection method: clinical testing. Allele origin: germline.
Comment: The NCOA1 c.934C>T variant is predicted to result in premature protein termination (p.Gln312*). To our knowledge, this variant has not been reported in the literature or in a large population database (gnomAD), indicating this variant is rare. At this time, the clinical significance of this variant is uncertain due to the absence of conclusive functional and genetic evidence.